The following is an entry in ClinVar:

NM_001110556.2(FLNA):c.6362C>A (p.Ala2121Asp)

Gene: FLNA (filamin A; minus strand). Cytogenetic location: Xq28.
Variant type: single nucleotide variant.
Coding change: c.6362C>A on transcript NM_001110556.2 (MANE Select); coding-DNA position 6362, C replaced by A.
Protein change: p.Ala2121Asp; replaces alanine 2121 with aspartic acid.
Molecular consequence: missense variant.
Genome position (GRCh38, 1-based): chrX:154,352,789, G>T on the plus strand (C>A on the coding strand, the complement: FLNA is on the minus strand). VCF-style: chrX-154352789-G-T. GRCh37 (hg19) VCF-style: chrX-153581157-G-T.
Other names: c.6338C>A, p.Ala2113Asp (NM_001456.4); short protein forms A2113D, A2121D.
Identifiers: ClinVar variation 1518404 (VCV001518404.7), dbSNP rs868993210, ClinGen allele CA415193117.
Genomic context (GRCh38, chrX:154,352,789, plus strand): 5'-CCTGGTGTAGTGAGGGGGGCTGCCGAGGCACTGCTGCACTCACCAGGCACGTGCTGGTCG[G>T]CAAACTTGATGTTGATGATGTAGTTGCCTGGCTCTGTGGGGCAGTAGGTGACCCTGCACG-3'
Protein context (NP_001104026.1, residues 2111-2131): PGNYIINIKF[Ala2121Asp]DQHVPGSPFS

ClinVar aggregate classification (germline): Uncertain significance (1 of 4 stars; one submission).

Conditions:
Heterotopia, periventricular, X-linked dominant (PVNH1). Also called: PERIVENTRICULAR NODULAR HETEROTOPIA 1; X-linked periventricular heterotopia; PERIVENTRICULAR NODULAR HETEROTOPIA 4; HETEROTOPIA, PERIVENTRICULAR, 1. Identifiers: Orphanet 2149, Orphanet 82004, MedGen C1848213, MONDO:0010233, OMIM 300049.
Melnick-Needles syndrome (MNS). Also called: Melnick-Needles Syndrome (FLNA-MNS); MELNICK-NEEDLES OSTEODYSPLASTY; OSTEODYSPLASTY OF MELNICK AND NEEDLES. Identifiers: Orphanet 2484, MedGen C0025237, MONDO:0010650, OMIM 309350.
Frontometaphyseal dysplasia (FMD1). Identifiers: Orphanet 1826, MedGen C0265293, MONDO:0015942.
Oto-palato-digital syndrome, type II (OPD2). Also called: Otopalatodigital Syndrome Type 2 (FLNA-OPD2); FACIOPALATOOSSEOUS SYNDROME; OPD II SYNDROME; Otopalatodigital Syndrome, Type II. Identifiers: Orphanet 669, Orphanet 90652, MedGen C1844696, MONDO:0010571, OMIM 304120.

Allele frequency attached by ClinVar (database versions not stated): TOPMed below 0.00001.
gnomAD v4.1: 2 of 1,211,843 alleles (0.00017%); highest among the groups gnomAD compares: South Asian, 0.0035%; no homozygotes.

Submission:

Labcorp Genetics (formerly Invitae), Labcorp
Classification: Uncertain significance for Oto-palato-digital syndrome, type II; Heterotopia, periventricular, X-linked dominant; Frontometaphyseal dysplasia; Melnick-Needles syndrome. Last evaluated: 2025-02-08. Review status: criteria provided, single submitter. Criteria: Invitae Variant Classification Sherloc (09022015). Collection method: clinical testing. Allele origin: germline.
Comment: This sequence change replaces alanine, which is neutral and non-polar, with aspartic acid, which is acidic and polar, at codon 2113 of the FLNA protein (p.Ala2113Asp). This variant is not present in population databases (gnomAD no frequency). This variant has not been reported in the literature in individuals affected with FLNA-related conditions. ClinVar contains an entry for this variant (Variation ID: 1518404). Invitae Evidence Modeling of protein sequence and biophysical properties (such as structural, functional, and spatial information, amino acid conservation, physicochemical variation, residue mobility, and thermodynamic stability) indicates that this missense variant is not expected to disrupt FLNA protein function with a negative predictive value of 95%. In summary, the available evidence is currently insufficient to determine the role of this variant in disease. Therefore, it has been classified as a Variant of Uncertain Significance.